The following is an entry in ClinVar:

NM_007118.4(TRIO):c.6335A>G (p.Lys2112Arg)

Gene: TRIO (trio Rho guanine nucleotide exchange factor; plus strand). Cytogenetic location: 5p15.2.
Variant type: single nucleotide variant.
Coding change: c.6335A>G on transcript NM_007118.4 (MANE Select); coding-DNA position 6335, A replaced by G.
Protein change: p.Lys2112Arg; replaces lysine 2112 with arginine.
Molecular consequence: missense variant. On other transcripts: non-coding transcript variant (1).
Genome position (GRCh38, 1-based): chr5:14,480,010, A>G. VCF-style: chr5-14480010-A-G. GRCh37 (hg19) VCF-style: chr5-14480119-A-G.
Other names: short protein forms K2112R.
Identifiers: ClinVar variation 1309891 (VCV001309891.3), dbSNP rs2126598524, ClinGen allele CA359234707.

ClinVar aggregate classification (germline): Uncertain significance. Review status: criteria provided, multiple submitters, no conflicts (2 of 4 stars). 2 submissions from 2 submitters: Uncertain significance (2). Last evaluated 2026-08-31.

Conditions:
Inborn genetic diseases. Identifiers: MedGen C0950123, MeSH D030342.

Submissions (2):

Ambry Genetics
Classification: Uncertain significance for Inborn genetic diseases. Last evaluated: 2026-08-31. Review status: criteria provided, single submitter. Criteria: Ambry Variant Classification Scheme 2023. Collection method: clinical testing. Allele origin: germline.

GeneDx
Classification: Uncertain significance. Last evaluated: 2021-07-26. Review status: criteria provided, single submitter. Criteria: GeneDx Variant Classification Process June 2021. Collection method: clinical testing. Allele origin: germline. Affected: yes.
Comment: Not observed in large population cohorts (Lek et al., 2016); In silico analysis, which includes protein predictors and evolutionary conservation, supports that this variant does not alter protein structure/function; Has not been previously published as pathogenic or benign to our knowledge